The following is an entry in ClinVar:

ClinVar aggregate classification (germline): Benign (0 of 4 stars; one submission).

Conditions:
SLC22A25-related disorder. Also called: SLC22A25-related condition.

Allele frequency attached by ClinVar (database versions not stated): gnomAD exomes 0.01254; ExAC 0.02442; gnomAD 0.06259; ESP Exome Variant Server 0.06763; TOPMed 0.06933; 1000 Genomes Project 0.07188; 1000 Genomes Project 30x 0.07651.

Submissions (4):

PreventionGenetics, part of Exact Sciences
Classification: Benign for SLC22A25-related condition. Last evaluated: 2019-11-25. Review status: no assertion criteria provided. Collection method: clinical testing. Allele origin: germline.
Comment: This variant is classified as benign based on ACMG/AMP sequence variant interpretation guidelines (Richards et al. 2015 PMID: 25741868, with internal and published modifications).

Dr. Peter K. Rogan Lab, Western University
No classification provided (evidence only). Condition: Acute myeloid leukemia. Review status: no classification provided. Collection method: in vitro. Allele origin: not applicable. Functional consequence: retained intron. Not counted in ClinVar's aggregate classification.

Dr. Peter K. Rogan Lab, Western University
No classification provided (evidence only). Condition: Hepatocellular carcinoma. Review status: no classification provided. Collection method: in vitro. Allele origin: not applicable. Functional consequence: retained intron. Not counted in ClinVar's aggregate classification.

Dr. Peter K. Rogan Lab, Western University
No classification provided (evidence only). Condition: Nonpapillary renal cell carcinoma. Review status: no classification provided. Collection method: in vitro. Allele origin: not applicable. Functional consequence: retained intron. Not counted in ClinVar's aggregate classification.

NM_199352.6(SLC22A25):c.403-2A>G

Gene: SLC22A25 (solute carrier family 22 member 25; minus strand). Cytogenetic location: 11q12.3.
Variant type: single nucleotide variant.
Coding change: c.403-2A>G on transcript NM_199352.6 (MANE Select); the canonical splice acceptor site of the intron before coding-DNA position 403, A replaced by G.
Molecular consequence: splice acceptor variant.
Genome position (GRCh38, 1-based): chr11:63,228,566, T>C on the plus strand (A>G on the coding strand, the complement: SLC22A25 is on the minus strand). VCF-style: chr11-63228566-T-C. GRCh37 (hg19) VCF-style: chr11-62996038-T-C.
Other names: NC_000011.9:g.62996038T>C; c.403-2A>G (NM_001394059.1, NM_001394058.1).
Identifiers: ClinVar variation 3055757 (VCV003055757.3), dbSNP rs1783657, ClinGen allele CA6060851.